The following is an entry in ClinVar:

ClinVar aggregate classification (germline): Likely benign. Review status: criteria provided, multiple submitters, no conflicts (2 of 4 stars). 3 submissions from 3 submitters: Likely benign (3). Last evaluated 2025-02-27.

Conditions:
Cardiovascular phenotype. Identifiers: MedGen CN230736.
Dilated cardiomyopathy 1G (CMD1G). Identifiers: Orphanet 154, MedGen C1858763, MONDO:0011400, OMIM 604145.
Autosomal recessive limb-girdle muscular dystrophy type 2J (LGMDR10). Also called: Limb-girdle muscular dystrophy, type 2J; MUSCULAR DYSTROPHY, LIMB-GIRDLE, AUTOSOMAL RECESSIVE 10. Identifiers: Orphanet 140922, MedGen C1837342, MONDO:0012127, OMIM 608807.

Allele frequency attached by ClinVar (database versions not stated): gnomAD exomes 0.00001 and 0.00002; ExAC 0.00002.
gnomAD v4.1: 19 of 1,613,012 alleles (0.0012%); highest among the groups gnomAD compares: East Asian, 0.042%; no homozygotes.

Submissions (3):

Ambry Genetics
Classification: Likely benign for Cardiovascular phenotype. Last evaluated: 2025-02-27. Review status: criteria provided, single submitter. Criteria: Ambry Variant Classification Scheme 2023. Collection method: clinical testing. Allele origin: germline.

Labcorp Genetics (formerly Invitae), Labcorp
Classification: Likely benign for Dilated cardiomyopathy 1G; Autosomal recessive limb-girdle muscular dystrophy type 2J. Last evaluated: 2022-03-12. Review status: criteria provided, single submitter. Criteria: Invitae Variant Classification Sherloc (09022015). Collection method: clinical testing. Allele origin: germline.

GeneDx
Classification: Likely benign. Last evaluated: 2017-03-10. Review status: criteria provided, single submitter. Criteria: GeneDx Variant Classification (06012015). Collection method: clinical testing. Allele origin: germline. Affected: yes.
Comment: This variant is considered likely benign or benign based on one or more of the following criteria: it is a conservative change, it occurs at a poorly conserved position in the protein, it is predicted to be benign by multiple in silico algorithms, and/or has population frequency not consistent with disease.

NM_001267550.2(TTN):c.56178T>A (p.Pro18726=)

Genes: TTN (titin; minus strand), TTN-AS1 (TTN antisense RNA 1; plus strand). Cytogenetic location: 2q31.2.
Variant type: single nucleotide variant.
Coding change: c.56178T>A on transcript NM_001267550.2 (MANE Select); coding-DNA position 56178, T replaced by A.
Protein change: p.Pro18726=; no amino-acid change (proline 18726 retained).
Molecular consequence: synonymous variant. On other transcripts: non-coding transcript variant (1).
Genome position (GRCh38, 1-based): chr2:178,599,723, A>T on the plus strand (T>A on the coding strand, the complement: TTN is on the minus strand). VCF-style: chr2-178599723-A-T. GRCh37 (hg19) VCF-style: chr2-179464450-A-T.
Other names: c.51255T>A, p.Pro17085= (NM_001256850.1); c.28983T>A, p.Pro9661= (NM_003319.4); c.48474T>A, p.Pro16158= (NM_133378.4); c.29358T>A, p.Pro9786= (NM_133432.3); c.29559T>A, p.Pro9853= (NM_133437.4).
Identifiers: ClinVar variation 517812 (VCV000517812.14), dbSNP rs767060880, ClinGen allele CA1993295.